The following is an entry in ClinVar:

ClinVar aggregate classification (germline): Uncertain significance (1 of 4 stars; one submission).

Conditions:
Nemaline myopathy 8 (NEM8). Also called: Nemaline myopathy 8, autosomal recessive. Identifiers: Orphanet 171430, MedGen C3809209, MONDO:0014138, OMIM 615348.

Allele frequency attached by ClinVar (database versions not stated): gnomAD 0.00001; gnomAD exomes 0.00002; TOPMed 0.00002; ExAC 0.00003.
gnomAD v4.1: 23 of 1,611,244 alleles (0.0014%); highest among the groups gnomAD compares: Non-Finnish European, 0.0019%; no homozygotes.

Submission:

Labcorp Genetics (formerly Invitae), Labcorp
Classification: Uncertain significance for Nemaline myopathy 8. Last evaluated: 2022-08-15. Review status: criteria provided, single submitter. Criteria: Invitae Variant Classification Sherloc (09022015). Collection method: clinical testing. Allele origin: germline.
Comment: This sequence change replaces glutamic acid, which is acidic and polar, with lysine, which is basic and polar, at codon 579 of the KLHL40 protein (p.Glu579Lys). This variant is present in population databases (rs756584441, gnomAD 0.003%). This variant has not been reported in the literature in individuals affected with KLHL40-related conditions. ClinVar contains an entry for this variant (Variation ID: 652152). Algorithms developed to predict the effect of missense changes on protein structure and function are either unavailable or do not agree on the potential impact of this missense change (SIFT: "Deleterious"; PolyPhen-2: "Probably Damaging"; Align-GVGD: "Class C0"). In summary, the available evidence is currently insufficient to determine the role of this variant in disease. Therefore, it has been classified as a Variant of Uncertain Significance.

NM_152393.4(KLHL40):c.1735G>A (p.Glu579Lys)

Gene: KLHL40 (kelch like family member 40; plus strand). Cytogenetic location: 3p22.1.
Variant type: single nucleotide variant.
Coding change: c.1735G>A on transcript NM_152393.4 (MANE Select); coding-DNA position 1735, G replaced by A.
Protein change: p.Glu579Lys; replaces glutamic acid 579 with lysine.
Molecular consequence: missense variant.
Genome position (GRCh38, 1-based): chr3:42,690,986, G>A. VCF-style: chr3-42690986-G-A. GRCh37 (hg19) VCF-style: chr3-42732478-G-A.
Other names: short protein forms E579K.
Identifiers: ClinVar variation 652152 (VCV000652152.3), dbSNP rs756584441, ClinGen allele CA2337059.